The following is an entry in ClinVar:

ClinVar aggregate classification (germline): Likely benign (1 of 4 stars; one submission).

Conditions:
Glycogen storage disease, type II (IOPD). Also called: Pompe Disease; CARDIOMEGALIA GLYCOGENICA DIFFUSA; GLYCOGENOSIS, GENERALIZED, CARDIAC FORM; GSD II; POMPE DISEASE, INFANTILE-ONSET; GLYCOGEN STORAGE DISEASE II, INFANTILE-ONSET. Identifiers: Orphanet 365, MedGen C0017921, MONDO:0009290, OMIM 232300.

Submission:

Genomenon, Inc
Classification: Likely benign for Glycogen storage disease, type II. Last evaluated: 2026-07-01. Review status: criteria provided, single submitter. Criteria: Genomenon Sequence Variant Interpretation Standards - Updated. Collection method: curation. Allele origin: germline. Affected: no.
Comment: GAA c.692+509T>C is an intronic variant located in intron 3. This variant has been reported in the published literature (PMID:33560568). It is absent or not present at a significant frequency in gnomAD. This variant is not predicted to impact splicing. In conclusion, we classify GAA c.692+509T>C as a likely benign variant.

Literature cited by the submitters: PubMed 33560568.

NM_000152.5(GAA):c.692+509T>C

Gene: GAA (alpha glucosidase; plus strand). Cytogenetic location: 17q25.3.
Variant type: single nucleotide variant.
Coding change: c.692+509T>C on transcript NM_000152.5 (MANE Select); 509 bases into the intron after coding-DNA position 692, T replaced by C.
Molecular consequence: intron variant.
Genome position (GRCh38, 1-based): chr17:80,106,403, T>C. VCF-style: chr17-80106403-T-C. GRCh37 (hg19) VCF-style: chr17-78080202-T-C.
Other names: c.692+509T>C (NM_001406741.1, NM_001406742.1, NM_001079803.3 and 1 more transcripts).
Identifiers: ClinVar variation 4876409 (VCV004876409.1).